The following is an entry in ClinVar:

ClinVar aggregate classification (germline): Conflicting classifications of pathogenicity. Review status: criteria provided, conflicting classifications (1 of 4 stars). 11 submissions from 11 submitters: Uncertain significance (5); Likely benign (2). 4 of the submissions do not count toward it. Last evaluated 2025-12-01.

Conditions:
Retinitis pigmentosa (RP). Identifiers: Orphanet 791, MedGen C0035334, MeSH D012174, MONDO:0019200, OMIM 268000. Inheritance: Autosomal dominant, autosomal recessive and X linked inheritance.
EYS-related disorder. Also called: EYS-related condition.
Retinitis pigmentosa 25 (RP25). Identifiers: Orphanet 791, MedGen C1864446, MONDO:0011272, OMIM 602772.

Allele frequency attached by ClinVar (database versions not stated): 1000 Genomes Project 0.00020; 1000 Genomes Project 30x 0.00031; ExAC 0.00062; gnomAD 0.00078 and 0.00083; gnomAD exomes 0.00084; TOPMed 0.00090.
gnomAD v4.1: 2,135 of 1,551,228 alleles (0.14%); highest among the groups gnomAD compares: Non-Finnish European, 0.17%; 5 homozygotes.

Submissions (11):

PreventionGenetics, part of Exact Sciences
Classification: Likely benign for EYS-related condition. Last evaluated: 2025-12-01. Review status: criteria provided, single submitter. Criteria: ACMG Guidelines, 2015. Collection method: clinical testing. Allele origin: germline.
Comment: This variant is classified as likely benign based on ACMG/AMP sequence variant interpretation guidelines (Richards et al. 2015 PMID: 25741868, with internal and published modifications).

Women's Health and Genetics/Laboratory Corporation of America, LabCorp
Classification: Uncertain significance. Last evaluated: 2025-05-12. Review status: criteria provided, single submitter. Criteria: LabCorp Variant Classification Summary - May 2015. Collection method: clinical testing. Allele origin: germline.
Comment: Variant summary: EYS c.4891C>T (p.Pro1631Ser) results in a non-conservative amino acid change in the encoded protein sequence. Algorithms developed to predict the effect of missense changes on protein structure and function are either unavailable or do not agree on the potential impact of this missense change. The variant allele was found at a frequency of 0.00084 in 153362 control chromosomes. This frequency is not significantly higher than estimated for a pathogenic variant in EYS causing Retinitis Pigmentosa (0.00084 vs 0.0034), allowing no conclusion about variant significance. c.4891C>T has been observed in individual(s) affected with retinitis pigmentosa/retinal dystrophy (e.g. Neveling_2012, Glockle_2013, Messchaert_2018, Colombo_2021, Karali_2022, Mihalich_2024). These data do not allow any conclusion about variant significance. To our knowledge, no experimental evidence demonstrating an impact on protein function has been reported. The following publications have been ascertained in the context of this evaluation (PMID: 33576794, 23591405, 36460718, 29159838, 38927702, 22334370). ClinVar contains an entry for this variant (Variation ID: 554129). Based on the evidence outlined above, the variant was classified as uncertain significance.

Blueprint Genetics
Classification: Likely benign. Last evaluated: 2024-11-20. Review status: criteria provided, single submitter. Criteria: ACMG Guidelines, 2015. Collection method: clinical testing. Allele origin: germline.

Labcorp Genetics (formerly Invitae), Labcorp
Classification: Uncertain significance. Last evaluated: 2022-10-24. Review status: criteria provided, single submitter. Criteria: Invitae Variant Classification Sherloc (09022015). Collection method: clinical testing. Allele origin: germline.
Comment: This sequence change replaces proline, which is neutral and non-polar, with serine, which is neutral and polar, at codon 1631 of the EYS protein (p.Pro1631Ser). This variant is present in population databases (rs200935518, gnomAD 0.2%), and has an allele count higher than expected for a pathogenic variant. This missense change has been observed in individual(s) with retinal disease (PMID: 23591405, 25366773). ClinVar contains an entry for this variant (Variation ID: 554129). Algorithms developed to predict the effect of missense changes on protein structure and function output the following: SIFT: "Tolerated"; PolyPhen-2: "Benign"; Align-GVGD: "Class C0". The serine amino acid residue is found in multiple mammalian species, which suggests that this missense change does not adversely affect protein function. In summary, the available evidence is currently insufficient to determine the role of this variant in disease. Therefore, it has been classified as a Variant of Uncertain Significance.

Fulgent Genetics
Classification: Uncertain significance for Retinitis pigmentosa 25. Last evaluated: 2021-08-09. Review status: criteria provided, single submitter. Criteria: ACMG Guidelines, 2015. Collection method: clinical testing. Allele origin: unknown.

Pars Genome Lab
Classification: Uncertain significance for Retinitis pigmentosa 25. Last evaluated: 2021-05-18. Review status: criteria provided, single submitter. Criteria: ACMG Guidelines, 2015. Collection method: clinical testing. Allele origin: germline. Affected: no.

Illumina Laboratory Services, Illumina
Classification: Uncertain significance for Retinitis pigmentosa. Last evaluated: 2018-02-13. Review status: criteria provided, single submitter. Criteria: ICSL Variant Classification Criteria 13 December 2019. Collection method: clinical testing. Allele origin: germline.

Natera, Inc.
Classification: Uncertain significance for Retinitis pigmentosa type 25. Last evaluated: 2020-07-22. Review status: no assertion criteria provided. Collection method: clinical testing. Allele origin: germline. Not counted in ClinVar's aggregate classification.

Counsyl
Classification: Uncertain significance for Retinitis pigmentosa 25. Last evaluated: 2017-09-26. Review status: no assertion criteria provided. Collection method: clinical testing. Allele origin: unknown. Not counted in ClinVar's aggregate classification.

Clinical Genetics DNA and cytogenetics Diagnostics Lab, Erasmus MC, Erasmus Medical Center
Classification: Likely benign. Review status: no assertion criteria provided. Collection method: clinical testing. Allele origin: germline. Affected: yes. Study: VKGL Data-share Consensus. Not counted in ClinVar's aggregate classification.

Joint Genome Diagnostic Labs from Nijmegen and Maastricht, Radboudumc and MUMC+
Classification: Likely benign. Review status: no assertion criteria provided. Collection method: clinical testing. Allele origin: germline. Affected: yes. Study: VKGL Data-share Consensus. Not counted in ClinVar's aggregate classification.

Literature cited by the submitters: PubMed 23591405 (cited by 3 submitters); PubMed 22334370 (cited by Women's Health and Genetics/Laboratory Corporation of America, LabCorp and Counsyl); PubMed 29159838 (cited by Women's Health and Genetics/Laboratory Corporation of America, LabCorp); PubMed 33576794 (cited by Women's Health and Genetics/Laboratory Corporation of America, LabCorp); PubMed 36460718 (cited by Women's Health and Genetics/Laboratory Corporation of America, LabCorp); PubMed 38927702 (cited by Women's Health and Genetics/Laboratory Corporation of America, LabCorp); PubMed 25366773 (cited by Labcorp Genetics (formerly Invitae), Labcorp and Counsyl).

NM_001142800.2(EYS):c.4891C>T (p.Pro1631Ser)

Gene: EYS (EGF-like photoreceptor maintenance factor; minus strand). Cytogenetic location: 6q12.
Variant type: single nucleotide variant.
Coding change: c.4891C>T on transcript NM_001142800.2 (MANE Select); coding-DNA position 4891, C replaced by T.
Protein change: p.Pro1631Ser; replaces proline 1631 with serine.
Molecular consequence: missense variant.
Genome position (GRCh38, 1-based): chr6:64,590,976, G>A on the plus strand (C>T on the coding strand, the complement: EYS is on the minus strand). VCF-style: chr6-64590976-G-A. GRCh37 (hg19) VCF-style: chr6-65300869-G-A.
Other names: c.4891C>T, p.Pro1631Ser (NM_001292009.2); short protein forms P1631S.
Identifiers: ClinVar variation 554129 (VCV000554129.22), dbSNP rs200935518, ClinGen allele CA3877048.
Genomic context (GRCh38, chr6:64,590,976, plus strand): 5'-GGGTAATGGATTCTTCCAAGGATGAGGATAAAATTGTTCTTTTTGCACTCTTTTTAGAAG[G>A]AAATAAAGATGGCACTTCTGTGAATGCCACTGATGGTGTTATTTCAGTAGCAGAAGAAAA-3'
Protein context (NP_001136272.1, residues 1621-1641): VAFTEVPSLF[Pro1631Ser]SKKSAKRTIL